The following is an entry in ClinVar:

NM_002148.4(HOXD10):c.266G>A (p.Arg89Gln)

Gene: HOXD10 (homeobox D10; plus strand). Cytogenetic location: 2q31.1.
Variant type: single nucleotide variant.
Coding change: c.266G>A on transcript NM_002148.4 (MANE Select); coding-DNA position 266, G replaced by A.
Protein change: p.Arg89Gln; replaces arginine 89 with glutamine.
Molecular consequence: missense variant.
Genome position (GRCh38, 1-based): chr2:176,117,099, G>A. VCF-style: chr2-176117099-G-A. GRCh37 (hg19) VCF-style: chr2-176981827-G-A.
Other names: short protein forms R89Q.
Identifiers: ClinVar variation 332479 (VCV000332479.33), dbSNP rs374700658, ClinGen allele CA1977263.

ClinVar aggregate classification (germline): Conflicting classifications of pathogenicity. Review status: criteria provided, conflicting classifications (1 of 4 stars). 5 submissions from 5 submitters: Uncertain significance (3); Likely benign (2). Last evaluated 2025-08-24.

Conditions:
Congenital vertical talus. Also called: PES VALGUS, CONGENITAL CONVEX; Rocker-bottom foot deformity. Identifiers: Orphanet 178382, MedGen C0240912, MONDO:0008652, OMIM 192950, HP:0001838.

Allele frequency attached by ClinVar (database versions not stated): gnomAD 0.00005; TOPMed 0.00005; ESP Exome Variant Server 0.00008.

Submissions (5):

Ambry Genetics
Classification: Uncertain significance. Last evaluated: 2025-08-24. Review status: criteria provided, single submitter. Criteria: Ambry Variant Classification Scheme 2023. Collection method: clinical testing. Allele origin: germline.

CeGaT Center for Human Genetics Tuebingen
Classification: Uncertain significance. Last evaluated: 2023-05-01. Review status: criteria provided, single submitter. Criteria: CeGaT Center For Human Genetics Tuebingen Variant Classification Criteria Version 2. Collection method: clinical testing. Allele origin: germline. Affected: yes. Observed: 1 variant allele.
Comment: HOXD10: PP4

Revvity Omics, Revvity
Classification: Uncertain significance for Congenital vertical talus. Last evaluated: 2020-11-18. Review status: criteria provided, single submitter. Criteria: ACMG Guidelines, 2015. Collection method: clinical testing. Allele origin: germline.

Illumina Laboratory Services, Illumina
Classification: Likely benign for Congenital vertical talus. Last evaluated: 2018-01-13. Review status: criteria provided, single submitter. Criteria: ICSL Variant Classification Criteria 13 December 2019. Collection method: clinical testing. Allele origin: germline.
Comment: This variant was observed in the ICSL laboratory as part of a predisposition screen in an ostensibly healthy population. It had not been previously curated by ICSL or reported in the Human Gene Mutation Database (HGMD: prior to June 1st, 2018), and was therefore a candidate for classification through an automated scoring system. Utilizing variant allele frequency, disease prevalence and penetrance estimates, and inheritance mode, an automated score was calculated to assess if this variant is too frequent to cause the disease. Based on the score and internal cut-off values, a variant classified as likely benign is not then subjected to further curation. The score for this variant resulted in a classification of likely benign for this disease.

Breakthrough Genomics
Classification: Likely benign. Review status: criteria provided, single submitter. Criteria: ACMG Guidelines, 2015. Collection method: not provided. Allele origin: germline. Inheritance: Autosomal dominant inheritance. Affected: yes.